The following is an entry in ClinVar:

NM_001457.4(FLNB):c.1542G>T (p.Glu514Asp)

Gene: FLNB (filamin B; plus strand). Cytogenetic location: 3p14.3.
Variant type: single nucleotide variant.
Coding change: c.1542G>T on transcript NM_001457.4 (MANE Select); coding-DNA position 1542, G replaced by T.
Protein change: p.Glu514Asp; replaces glutamic acid 514 with aspartic acid.
Molecular consequence: missense variant.
Genome position (GRCh38, 1-based): chr3:58,104,017, G>T. VCF-style: chr3-58104017-G-T. GRCh37 (hg19) VCF-style: chr3-58089744-G-T.
Other names: c.1542G>T, p.Glu514Asp (NM_001164317.2, NM_001164318.2, NM_001164319.2); short protein forms E514D.
Identifiers: ClinVar variation 4765458 (VCV004765458.1).
Genomic context (GRCh38, chr3:58,104,017, plus strand): 5'-AGAGGGTCTGGAGGAGCTGGTGAAGCAGAAAGACTTTCTGGATGGGGTCTACGCATTCGA[G>T]TATTACCCCAGCACCCCGGGGAGATACAGCATTGCCATCACATGGGGGGGACACCACATT-3'
Protein context (NP_001448.2, residues 504-524): KDFLDGVYAF[Glu514Asp]YYPSTPGRYS

ClinVar aggregate classification (germline): Uncertain significance (1 of 4 stars; one submission).

gnomAD v4.1: 1 of 1,613,910 alleles (0.000062%); highest among the groups gnomAD compares: Admixed American, 0.0017%; no homozygotes.

Submission:

Labcorp Genetics (formerly Invitae), Labcorp
Classification: Uncertain significance. Last evaluated: 2025-04-22. Review status: criteria provided, single submitter. Criteria: Invitae Variant Classification Sherloc (09022015). Collection method: clinical testing. Allele origin: germline.
Comment: This sequence change replaces glutamic acid, which is acidic and polar, with aspartic acid, which is acidic and polar, at codon 514 of the FLNB protein (p.Glu514Asp). This variant is present in population databases (rs763168530, gnomAD 0.003%). This variant has not been reported in the literature in individuals affected with FLNB-related conditions. Invitae Evidence Modeling of protein sequence and biophysical properties (such as structural, functional, and spatial information, amino acid conservation, physicochemical variation, residue mobility, and thermodynamic stability) indicates that this missense variant is not expected to disrupt FLNB protein function with a negative predictive value of 95%. In summary, the available evidence is currently insufficient to determine the role of this variant in disease. Therefore, it has been classified as a Variant of Uncertain Significance.